The following is an entry in ClinVar:

ClinVar aggregate classification (germline): Uncertain significance (1 of 4 stars; one submission).

Allele frequency attached by ClinVar (database versions not stated): gnomAD 0.00001; TOPMed 0.00001; gnomAD exomes 0.00002.
gnomAD v4.1: 30 of 1,613,966 alleles (0.0019%); highest among the groups gnomAD compares: Non-Finnish European, 0.0025%; no homozygotes.

Submission:

Labcorp Genetics (formerly Invitae), Labcorp
Classification: Uncertain significance. Last evaluated: 2022-03-19. Review status: criteria provided, single submitter. Criteria: Invitae Variant Classification Sherloc (09022015). Collection method: clinical testing. Allele origin: germline.
Comment: This sequence change replaces valine, which is neutral and non-polar, with methionine, which is neutral and non-polar, at codon 311 of the FLVCR2 protein (p.Val311Met). This variant is present in population databases (no rsID available, gnomAD 0.0009%). In summary, the available evidence is currently insufficient to determine the role of this variant in disease. Therefore, it has been classified as a Variant of Uncertain Significance. Algorithms developed to predict the effect of missense changes on protein structure and function are either unavailable or do not agree on the potential impact of this missense change (SIFT: "Deleterious"; PolyPhen-2: "Benign"; Align-GVGD: "Class C0"). This variant has not been reported in the literature in individuals affected with FLVCR2-related conditions.

NM_017791.3(FLVCR2):c.931G>A (p.Val311Met)

Gene: FLVCR2 (FLVCR choline and putative heme transporter 2; plus strand). Cytogenetic location: 14q24.3.
Variant type: single nucleotide variant.
Coding change: c.931G>A on transcript NM_017791.3 (MANE Select); coding-DNA position 931, G replaced by A.
Protein change: p.Val311Met; replaces valine 311 with methionine.
Molecular consequence: missense variant.
Genome position (GRCh38, 1-based): chr14:75,624,731, G>A. VCF-style: chr14-75624731-G-A. GRCh37 (hg19) VCF-style: chr14-76091074-G-A.
Other names: c.316G>A, p.Val106Met (NM_001195283.2); short protein forms V106M, V311M.
Identifiers: ClinVar variation 1965993 (VCV001965993.5), dbSNP rs1180750598, ClinGen allele CA390456188.
Genomic context (GRCh38, chr14:75,624,731, plus strand): 5'-ACCTCTCCTGATGCCTCATACTTAGGTTCCATCGCCCGGCTCTTCAAAAATCTCAACTTT[G>A]TGCTGCTTGTCATCACCTATGGTAAGGTGTCAATGTGTCTAGGAATGCATTCGAGCTGGA-3'
Protein context (NP_060261.2, residues 301-321): IARLFKNLNF[Val311Met]LLVITYGLNA